The following is an entry in ClinVar:

ClinVar aggregate classification (germline): Uncertain significance (1 of 4 stars; one submission).

Conditions:
Autosomal recessive limb-girdle muscular dystrophy type 2B (LGMDR2). Also called: Limb-Girdle Muscular Dystrophy Type 2B (LGMD2B); Limb-girdle muscular dystrophy, type 2B; MUSCULAR DYSTROPHY, LIMB-GIRDLE, TYPE 3; MUSCULAR DYSTROPHY, LIMB-GIRDLE, AUTOSOMAL RECESSIVE 2. Identifiers: Orphanet 268, MedGen C1850889, MONDO:0009676, OMIM 253601.

Allele frequency attached by ClinVar (database versions not stated): TOPMed below 0.00001; gnomAD 0.00001.
gnomAD v4.1: 1 of 1,551,012 alleles (0.000064%); highest among the groups gnomAD compares: Non-Finnish European, 0.000087%; no homozygotes.

Submission:

Neuberg Centre For Genomic Medicine, NCGM
Classification: Uncertain significance for Autosomal recessive limb-girdle muscular dystrophy type 2B. Review status: criteria provided, single submitter. Criteria: ACMG Guidelines, 2015. Collection method: clinical testing. Allele origin: germline. Inheritance: Autosomal recessive inheritance. Affected: yes.
Comment: The missense variant c.362A>C (p.Gln121Pro) in DYSF gene has not been reported previously as a pathogenic variant nor as a benign variant, to our knowledge. The p.Gln121Pro variant is not seen in population databases like gnomAD Exomes and 1000 Genomes. The amino acid Gln at position 121 is changed to a Pro changing protein sequence and it might alter its composition and physico-chemical properties. The amino acid change p.Gln121Pro in DYSF is predicted as conserved by GERP++ and PhyloP across 100 vertebrates. For these reasons, this variant has been classified as Uncertain Significance .

NM_001130987.2(DYSF):c.362A>C (p.Gln121Pro)

Gene: DYSF (dysferlin; plus strand). Cytogenetic location: 2p13.2.
Variant type: single nucleotide variant.
Coding change: c.362A>C on transcript NM_001130987.2 (MANE Select); coding-DNA position 362, A replaced by C.
Protein change: p.Gln121Pro; replaces glutamine 121 with proline.
Molecular consequence: missense variant.
Genome position (GRCh38, 1-based): chr2:71,511,823, A>C. VCF-style: chr2-71511823-A-C. GRCh37 (hg19) VCF-style: chr2-71738953-A-C.
Other names: c.362A>C, p.Gln121Pro (NM_001130455.2, NM_001130982.2, NM_001130983.2 and 3 more transcripts); c.359A>C, p.Gln120Pro (NM_001130976.2, NM_001130977.2, NM_001130978.2 and 4 more transcripts); short protein forms Q120P, Q121P.
Identifiers: ClinVar variation 2585024 (VCV002585024.1), dbSNP rs1444283069, ClinGen allele CA347205401.